The following is an entry in ClinVar:

NM_025000.4(DCAF17):c.826A>G (p.Ile276Val)

Gene: DCAF17 (DDB1 and CUL4 associated factor 17; plus strand). Cytogenetic location: 2q31.1.
Variant type: single nucleotide variant.
Coding change: c.826A>G on transcript NM_025000.4 (MANE Select); coding-DNA position 826, A replaced by G.
Protein change: p.Ile276Val; replaces isoleucine 276 with valine.
Molecular consequence: missense variant.
Genome position (GRCh38, 1-based): chr2:171,458,465, A>G. VCF-style: chr2-171458465-A-G. GRCh37 (hg19) VCF-style: chr2-172314975-A-G.
Other names: c.826A>G, p.Ile276Val (NM_001164821.2); c.826A>G (NM_025000.3); short protein forms I276V.
Identifiers: ClinVar variation 2057477 (VCV002057477.2), dbSNP rs370438709, ClinGen allele CA1964796.

ClinVar aggregate classification (germline): Uncertain significance. Review status: criteria provided, multiple submitters, no conflicts (2 of 4 stars). 2 submissions from 2 submitters: Uncertain significance (2). Last evaluated 2024-06-05.

Conditions:
Woodhouse-Sakati syndrome. Also called: Hypogonadism, diabetes mellitus, alopecia, mental retardation and electrocardiographic abnormalities; Hypogonadism, Alopecia, Diabetes Mellitus, Mental Retardation, and Extrapyramidal Syndrome; EXTRAPYRAMIDAL DISORDER, PROGRESSIVE, WITH PRIMARY HYPOGONADISM, MENTAL RETARDATION, AND ALOPECIA. Identifiers: Orphanet 3464, MedGen C0342286, MONDO:0009419, OMIM 241080.
Inborn genetic diseases. Identifiers: MedGen C0950123, MeSH D030342.

Allele frequency attached by ClinVar (database versions not stated): ExAC 0.00001; gnomAD 0.00001; gnomAD exomes 0.00001; TOPMed 0.00002; ESP Exome Variant Server 0.00008.
gnomAD v4.1: 7 of 1,613,062 alleles (0.00043%); highest among the groups gnomAD compares: Admixed American, 0.0033%; no homozygotes.

Submissions (2):

Ambry Genetics
Classification: Uncertain significance for Inborn genetic diseases. Last evaluated: 2024-06-05. Review status: criteria provided, single submitter. Criteria: Ambry Variant Classification Scheme 2023. Collection method: clinical testing. Allele origin: germline.

Labcorp Genetics (formerly Invitae), Labcorp
Classification: Uncertain significance for Woodhouse-Sakati syndrome. Last evaluated: 2022-07-14. Review status: criteria provided, single submitter. Criteria: Invitae Variant Classification Sherloc (09022015). Collection method: clinical testing. Allele origin: germline.
Comment: This sequence change replaces isoleucine, which is neutral and non-polar, with valine, which is neutral and non-polar, at codon 276 of the DCAF17 protein (p.Ile276Val). This variant is present in population databases (rs370438709, gnomAD 0.006%). This variant has not been reported in the literature in individuals affected with DCAF17-related conditions. Algorithms developed to predict the effect of missense changes on protein structure and function output the following: SIFT: "Tolerated"; PolyPhen-2: "Benign"; Align-GVGD: "Class C0". The valine amino acid residue is found in multiple mammalian species, which suggests that this missense change does not adversely affect protein function. In summary, the available evidence is currently insufficient to determine the role of this variant in disease. Therefore, it has been classified as a Variant of Uncertain Significance.